The following is an entry in ClinVar:

ClinVar aggregate classification (germline): Uncertain significance. Review status: criteria provided, multiple submitters, no conflicts (2 of 4 stars). 2 submissions from 2 submitters: Uncertain significance (2). Last evaluated 2026-03-10.

Submissions (2):

GeneDx
Classification: Uncertain significance. Last evaluated: 2026-03-10. Review status: criteria provided, single submitter. Criteria: GeneDx Variant Classification Process June 2021. Collection method: clinical testing. Allele origin: germline.
Comment: Not observed at significant frequency in large population cohorts (gnomAD); In silico analysis supports that this missense variant has a deleterious effect on protein structure/function; This variant is associated with the following publications: (PMID: 34469436)

Women's Health and Genetics/Laboratory Corporation of America, LabCorp
Classification: Uncertain significance. Last evaluated: 2025-11-28. Review status: criteria provided, single submitter. Criteria: LabCorp Variant Classification Summary - May 2015. Collection method: clinical testing. Allele origin: germline.
Comment: Variant summary: GRIA3 c.1648C>T (p.Pro550Ser) results in a non-conservative amino acid change in the encoded protein sequence. Algorithms developed to predict the effect of missense changes on protein structure and function all suggest that this variant is likely to be disruptive. The variant was absent in 183176 control chromosomes. The available data on variant occurrences in the general population are insufficient to allow any conclusion about variant significance. c.1648C>T has been observed in an individual affected with clinical features of Syndromic X-Linked Intellectual Disability 94 (Gall_2021). These data do not allow any conclusion about variant significance. To our knowledge, no experimental evidence demonstrating an impact on protein function has been reported. The following publication have been ascertained in the context of this evaluation (PMID: 34469436). No submitters have cited clinical-significance assessments for this variant to ClinVar. Based on the evidence outlined above, the variant was classified as uncertain significance.

Literature cited by the submitters: PubMed 34469436 (cited by Women's Health and Genetics/Laboratory Corporation of America, LabCorp).

NM_007325.5(GRIA3):c.1648C>T (p.Pro550Ser)

Gene: GRIA3 (glutamate ionotropic receptor AMPA type subunit 3; plus strand). Cytogenetic location: Xq25.
Variant type: single nucleotide variant.
Coding change: c.1648C>T on transcript NM_007325.5 (MANE Select); coding-DNA position 1648, C replaced by T.
Protein change: p.Pro550Ser; replaces proline 550 with serine.
Molecular consequence: missense variant.
Genome position (GRCh38, 1-based): chrX:123,417,549, C>T. VCF-style: chrX-123417549-C-T. GRCh37 (hg19) VCF-style: chrX-122551400-C-T.
Other names: c.1648C>T, p.Pro550Ser (NM_000828.5); c.1648C>T (NM_000828.4); short protein forms P550S.
Identifiers: ClinVar variation 4537340 (VCV004537340.2).